The following is an entry in ClinVar:

NM_006013.5(RPL10):c.*156A>G

Gene: RPL10 (ribosomal protein L10; plus strand). Cytogenetic location: Xq28.
Variant type: single nucleotide variant.
Coding change: c.*156A>G on transcript NM_006013.5 (MANE Select); 156 bases downstream of the stop codon, A replaced by G.
Molecular consequence: 3 prime UTR variant. On other transcripts: missense variant (1).
Genome position (GRCh38, 1-based): chrX:154,401,010, A>G. VCF-style: chrX-154401010-A-G. GRCh37 (hg19) VCF-style: chrX-153629351-A-G.
Other names: c.638A>G, p.Gln213Arg (NM_001256577.2); c.*156A>G (NM_001256580.2, NM_001303624.2, NM_001303625.1); c.*352A>G (NM_001303626.1); short protein forms Q213R.
Identifiers: ClinVar variation 3389547 (VCV003389547.14).

ClinVar aggregate classification (germline): Uncertain significance (1 of 4 stars; one submission).

Submission:

CeGaT Center for Human Genetics Tuebingen
Classification: Uncertain significance. Last evaluated: 2024-09-01. Review status: criteria provided, single submitter. Criteria: CeGaT Center For Human Genetics Tuebingen Variant Classification Criteria Version 2. Collection method: clinical testing. Allele origin: germline. Affected: yes. Observed: 1 variant allele.
Comment: RPL10: PM2